The following is an entry in ClinVar:

ClinVar aggregate classification (germline): Uncertain significance (1 of 4 stars; one submission).

Conditions:
Inborn genetic diseases. Identifiers: MedGen C0950123, MeSH D030342.

gnomAD v4.1: 3 of 1,607,052 alleles (0.00019%); highest among the groups gnomAD compares: South Asian, 0.0011%; no homozygotes.

Submission:

Ambry Genetics
Classification: Uncertain significance for Inborn genetic diseases. Last evaluated: 2024-05-16. Review status: criteria provided, single submitter. Criteria: Ambry Variant Classification Scheme 2023. Collection method: clinical testing. Allele origin: germline.
Comment: The p.A1120G variant (also known as c.3359C>G), located in coding exon 17 of the ATR gene, results from a C to G substitution at nucleotide position 3359. The alanine at codon 1120 is replaced by glycine, an amino acid with similar properties. This amino acid position is conserved. In addition, the in silico prediction for this alteration is inconclusive. Based on the available evidence, the clinical significance of this variant remains unclear.

NM_001184.4(ATR):c.3359C>G (p.Ala1120Gly)

Gene: ATR (ATR serine/threonine kinase; minus strand). Cytogenetic location: 3q23.
Variant type: single nucleotide variant.
Coding change: c.3359C>G on transcript NM_001184.4 (MANE Select); coding-DNA position 3359, C replaced by G.
Protein change: p.Ala1120Gly; replaces alanine 1120 with glycine.
Molecular consequence: missense variant.
Genome position (GRCh38, 1-based): chr3:142,542,756, G>C on the plus strand (C>G on the coding strand, the complement: ATR is on the minus strand). VCF-style: chr3-142542756-G-C. GRCh37 (hg19) VCF-style: chr3-142261598-G-C.
Other names: c.3167C>G, p.Ala1056Gly (NM_001354579.2); short protein forms A1056G, A1120G.
Identifiers: ClinVar variation 3331934 (VCV003331934.1).